The following is an entry in ClinVar:

NM_006922.4(SCN3A):c.2119A>C (p.Ser707Arg)

Gene: SCN3A (sodium voltage-gated channel alpha subunit 3; minus strand). Cytogenetic location: 2q24.3.
Variant type: single nucleotide variant.
Coding change: c.2119A>C on transcript NM_006922.4 (MANE Select); coding-DNA position 2119, A replaced by C.
Protein change: p.Ser707Arg; replaces serine 707 with arginine.
Molecular consequence: missense variant.
Genome position (GRCh38, 1-based): chr2:165,139,509, T>G on the plus strand (A>C on the coding strand, the complement: SCN3A is on the minus strand). VCF-style: chr2-165139509-T-G. GRCh37 (hg19) VCF-style: chr2-165996019-T-G.
Other names: c.1972A>C, p.Ser658Arg (NM_001081676.2, NM_001081677.2); short protein forms S707R, S658R.
Identifiers: ClinVar variation 2760907 (VCV002760907.3), dbSNP rs1687867619, ClinGen allele CA349045577.

ClinVar aggregate classification (germline): Uncertain significance (1 of 4 stars; one submission).

Submission:

Labcorp Genetics (formerly Invitae), Labcorp
Classification: Uncertain significance. Last evaluated: 2023-09-15. Review status: criteria provided, single submitter. Criteria: Invitae Variant Classification Sherloc (09022015). Collection method: clinical testing. Allele origin: germline.
Comment: This sequence change replaces serine, which is neutral and polar, with arginine, which is basic and polar, at codon 707 of the SCN3A protein (p.Ser707Arg). This variant is not present in population databases (gnomAD no frequency). This variant has not been reported in the literature in individuals affected with SCN3A-related conditions. Advanced modeling of protein sequence and biophysical properties (such as structural, functional, and spatial information, amino acid conservation, physicochemical variation, residue mobility, and thermodynamic stability) has been performed at Invitae for this missense variant, however the output from this modeling did not meet the statistical confidence thresholds required to predict the impact of this variant on SCN3A protein function. In summary, the available evidence is currently insufficient to determine the role of this variant in disease. Therefore, it has been classified as a Variant of Uncertain Significance.